The following is an entry in ClinVar:

ClinVar aggregate classification (germline): Uncertain significance (1 of 4 stars; one submission).

Conditions:
Neurofibromatosis, type 1 (NF1). Also called: VON RECKLINGHAUSEN DISEASE; Neurofibromatosis, type I; NEUROFIBROMATOSIS, TYPE I, SOMATIC; Peripheral type neurofibromatosis. Identifiers: Orphanet 636, MedGen C0027831, MONDO:0018975, OMIM 162200. Disease mechanism: loss of function.

Submission:

Labcorp Genetics (formerly Invitae), Labcorp
Classification: Uncertain significance for Neurofibromatosis, type 1. Last evaluated: 2025-11-06. Review status: criteria provided, single submitter. Criteria: Invitae Variant Classification Sherloc (09022015). Collection method: clinical testing. Allele origin: germline.
Comment: This sequence change replaces phenylalanine, which is neutral and non-polar, with valine, which is neutral and non-polar, at codon 468 of the NF1 protein (p.Phe468Val). This variant is not present in population databases (gnomAD no frequency). This variant has not been reported in the literature in individuals affected with NF1-related conditions. Invitae Evidence Modeling of protein sequence and biophysical properties (such as structural, functional, and spatial information, amino acid conservation, physicochemical variation, residue mobility, and thermodynamic stability) has been performed for this missense variant. However, the output from this modeling did not meet the statistical confidence thresholds required to predict the impact of this variant on NF1 protein function. In summary, the available evidence is currently insufficient to determine the role of this variant in disease. Therefore, it has been classified as a Variant of Uncertain Significance.

NM_001042492.3(NF1):c.1402T>G (p.Phe468Val)

Gene: NF1 (neurofibromin 1; plus strand). Cytogenetic location: 17q11.2.
Variant type: single nucleotide variant.
Coding change: c.1402T>G on transcript NM_001042492.3 (MANE Select); coding-DNA position 1402, T replaced by G.
Protein change: p.Phe468Val; replaces phenylalanine 468 with valine.
Molecular consequence: missense variant.
Genome position (GRCh38, 1-based): chr17:31,214,460, T>G. VCF-style: chr17-31214460-T-G. GRCh37 (hg19) VCF-style: chr17-29541478-T-G.
Other names: c.1402T>G, p.Phe468Val (NM_000267.4, NM_001128147.3); short protein forms F468V.
Identifiers: ClinVar variation 4800722 (VCV004800722.1).